The following is an entry in ClinVar:

ClinVar aggregate classification (germline): Uncertain significance (1 of 4 stars; one submission).

Submission:

Labcorp Genetics (formerly Invitae), Labcorp
Classification: Uncertain significance. Last evaluated: 2025-01-13. Review status: criteria provided, single submitter. Criteria: Invitae Variant Classification Sherloc (09022015). Collection method: clinical testing. Allele origin: germline.
Comment: This sequence change replaces leucine, which is neutral and non-polar, with serine, which is neutral and polar, at codon 193 of the DNA2 protein (p.Leu193Ser). This variant is not present in population databases (gnomAD no frequency). This missense change has been observed in individual(s) with clinical features of DNA2-related conditions (PMID: 31636600). Invitae Evidence Modeling of protein sequence and biophysical properties (such as structural, functional, and spatial information, amino acid conservation, physicochemical variation, residue mobility, and thermodynamic stability) has been performed for this missense variant. However, the output from this modeling did not meet the statistical confidence thresholds required to predict the impact of this variant on DNA2 protein function. In summary, the available evidence is currently insufficient to determine the role of this variant in disease. Therefore, it has been classified as a Variant of Uncertain Significance.

Literature cited by the submitters: PubMed 31636600.

NM_001080449.3(DNA2):c.578T>C (p.Leu193Ser)

Gene: DNA2 (DNA replication helicase/nuclease 2; minus strand). Cytogenetic location: 10q21.3.
Variant type: single nucleotide variant.
Coding change: c.578T>C on transcript NM_001080449.3 (MANE Select); coding-DNA position 578, T replaced by C.
Protein change: p.Leu193Ser; replaces leucine 193 with serine.
Molecular consequence: missense variant. On other transcripts: non-coding transcript variant (1).
Genome position (GRCh38, 1-based): chr10:68,465,676, A>G on the plus strand (T>C on the coding strand, the complement: DNA2 is on the minus strand). VCF-style: chr10-68465676-A-G. GRCh37 (hg19) VCF-style: chr10-70225433-A-G.
Other names: short protein forms L193S.
Identifiers: ClinVar variation 3609676 (VCV003609676.2).